The following is an entry in ClinVar:

ClinVar aggregate classification (germline): Uncertain significance. Review status: criteria provided, multiple submitters, no conflicts (2 of 4 stars). 3 submissions from 3 submitters: Uncertain significance (3). Last evaluated 2024-07-11.

Conditions:
Familial cancer of breast. Also called: Hereditary breast cancer; hereditary breast carcinoma; BREAST CANCER, FAMILIAL. Identifiers: Orphanet 227535, MedGen C0346153, MONDO:0016419, OMIM 114480. Disease mechanism: loss of function.
Ataxia-telangiectasia syndrome (AT). Also called: Ataxia telangiectasia (A-T); ATAXIA-TELANGIECTASIA, COMPLEMENTATION GROUP A; ATAXIA-TELANGIECTASIA, FRESNO VARIANT; Ataxia-telangiectasia; Ataxia-telangiectasia, complementation group E; LOUIS-BAR SYNDROME. Identifiers: Orphanet 100, MedGen C0004135, MONDO:0008840, OMIM 208900.

Allele frequency attached by ClinVar (database versions not stated): gnomAD exomes below 0.00001.
gnomAD v4.1: 1 of 1,614,012 alleles (0.000062%); highest among the groups gnomAD compares: Non-Finnish European, 0.000085%; no homozygotes.

Submissions (3):

Labcorp Genetics (formerly Invitae), Labcorp
Classification: Uncertain significance for Ataxia-telangiectasia syndrome. Last evaluated: 2024-07-11. Review status: criteria provided, single submitter. Criteria: Invitae Variant Classification Sherloc (09022015). Collection method: clinical testing. Allele origin: germline.
Comment: This sequence change replaces valine, which is neutral and non-polar, with isoleucine, which is neutral and non-polar, at codon 2731 of the ATM protein (p.Val2731Ile). This variant is not present in population databases (gnomAD no frequency). This variant has not been reported in the literature in individuals affected with ATM-related conditions. ClinVar contains an entry for this variant (Variation ID: 1055837). An algorithm developed to predict the effect of missense changes on protein structure and function (PolyPhen-2) suggests that this variant is likely to be disruptive. In summary, the available evidence is currently insufficient to determine the role of this variant in disease. Therefore, it has been classified as a Variant of Uncertain Significance.

Baylor Genetics
Classification: Uncertain significance for Familial cancer of breast. Last evaluated: 2023-06-30. Review status: criteria provided, single submitter. Criteria: ACMG Guidelines, 2015. Collection method: clinical testing. Allele origin: unknown.

Blueprint Genetics
Classification: Uncertain significance. Last evaluated: 2023-01-19. Review status: criteria provided, single submitter. Criteria: ACMG Guidelines, 2015. Collection method: clinical testing. Allele origin: germline.

NM_000051.4(ATM):c.8191G>A (p.Val2731Ile)

Genes: ATM (ATM serine/threonine kinase; plus strand), C11orf65 (chromosome 11 open reading frame 65; minus strand). Cytogenetic location: 11q22.3.
Variant type: single nucleotide variant.
Coding change: c.8191G>A on transcript NM_000051.4 (MANE Select); coding-DNA position 8191, G replaced by A.
Protein change: p.Val2731Ile; replaces valine 2731 with isoleucine.
Molecular consequence: missense variant. On other transcripts: intron variant (2).
Genome position (GRCh38, 1-based): chr11:108,335,884, G>A. VCF-style: chr11-108335884-G-A. GRCh37 (hg19) VCF-style: chr11-108206611-G-A.
Other names: c.8191G>A, p.Val2731Ile (NM_001351834.2); c.641-26813C>T (NM_001330368.2); c.695-592C>T (NM_001351110.2); short protein forms V2731I.
Identifiers: ClinVar variation 1055837 (VCV001055837.9), dbSNP rs1215175886, ClinGen allele CA382562537.